The following is an entry in ClinVar:

ClinVar aggregate classification (germline): Pathogenic (1 of 4 stars; one submission).

Conditions:
Deafness-lymphedema-leukemia syndrome. Also called: Emberger syndrome; Lymphedema, primary, with myelodysplasia. Identifiers: Orphanet 3226, MedGen C3279664, MONDO:0013540, OMIM 614038.
GATA2 deficiency with susceptibility to MDS/AML. Identifiers: MedGen CN300066, MONDO:0042982.

Submission:

Molecular Pathology Research Laboratory, SA Pathology
Classification: Pathogenic for GATA2 deficiency with susceptibility to MDS/AML; Deafness-lymphedema-leukemia syndrome. Last evaluated: 2021-07-06. Review status: criteria provided, single submitter. Criteria: ACMG Guidelines, 2015. Collection method: curation. Allele origin: germline. Inheritance: Autosomal dominant inheritance. Affected: yes. Observed: 3 variant alleles. Clinical features observed: Myelodysplasia, Acute Myeloid Leukemia, Immunodeficiency, Hematological abnormality.
Comment: PVS1, PS4_Moderate, PM2

Literature cited by the submitters: PubMed 24227816; PubMed 24077845; PubMed 25359990; PubMed 33417088.

NM_032638.5(GATA2):c.1099dup (p.Asp367fs)

Gene: GATA2 (GATA binding protein 2; minus strand). Cytogenetic location: 3q21.3.
Variant type: Duplication.
Coding change: c.1099dup on transcript NM_032638.5 (MANE Select); coding-DNA position 1099, one base duplicated (G; older notation c.1099dupG).
Protein change: p.Asp367fs; shifts the reading frame from aspartic acid 367.
Molecular consequence: frameshift variant.
Genome position (GRCh38, 1-based): chr3:128,481,863, C duplicated on the plus strand (G on the coding strand, the reverse complement: GATA2 is on the minus strand); the first of 4 consecutive C bases (chr3:128,481,863-128,481,866); duplicating any one gives the same sequence. VCF-style (leftmost placement, unchanged base first): chr3-128481862-T-TC. GRCh37 (hg19) VCF-style: chr3-128200705-T-TC.
Other names: c.1099dup, p.Asp367fs (NM_001145661.2); c.1057dup, p.Asp353fs (NM_001145662.1); short protein forms D353fs, D367fs.
Identifiers: ClinVar variation 1184159 (VCV001184159.1), dbSNP rs2107668647, ClinGen allele CA2499216434.